The following is an entry in ClinVar:

NM_033100.4(CDHR1):c.295del (p.Glu99fs)

Gene: CDHR1 (cadherin related family member 1; plus strand). Cytogenetic location: 10q23.1.
Variant type: Deletion.
Coding change: c.295del on transcript NM_033100.4 (MANE Select); coding-DNA position 295, one base deleted (G; older notation c.295delG).
Protein change: p.Glu99fs; shifts the reading frame from glutamic acid 99.
Molecular consequence: frameshift variant.
Genome position (GRCh38, 1-based): chr10:84,196,648, G deleted. VCF-style (leftmost placement, unchanged base first): chr10-84196647-AG-A. GRCh37 (hg19) VCF-style: chr10-85956403-AG-A.
Other names: c.295del, p.Glu99fs (NM_001171971.3); c.295delG (NM_033100.3); short protein forms E99fs.
Identifiers: ClinVar variation 955270 (VCV000955270.11), dbSNP rs867166472, ClinGen allele CA210377530.

ClinVar aggregate classification (germline): Pathogenic. Review status: criteria provided, multiple submitters, no conflicts (2 of 4 stars). 4 submissions from 4 submitters: Pathogenic (4). Last evaluated 2026-04-24.

Conditions:
Retinitis pigmentosa (RP). Identifiers: Orphanet 791, MedGen C0035334, MeSH D012174, MONDO:0019200, OMIM 268000. Inheritance: Autosomal dominant, autosomal recessive and X linked inheritance.
CDHR1-related disorders.
CDHR1-related disorder. Also called: CDHR1-related condition.

Allele frequency attached by ClinVar (database versions not stated): gnomAD exomes below 0.00001 and 0.00002; TOPMed 0.00002; gnomAD 0.00004; ESP Exome Variant Server 0.00016.

Submissions (4):

PreventionGenetics, part of Exact Sciences
Classification: Pathogenic for CDHR1-related condition. Last evaluated: 2026-04-24. Review status: criteria provided, single submitter. Criteria: ACMG Guidelines, 2015. Collection method: clinical testing. Allele origin: germline.
Comment: The CDHR1 c.295delG variant is predicted to result in a frameshift and premature protein termination (p.Glu99Argfs*16). This variant has been reported in an individual with retinal disease (Table S2, Zampaglione et al. 2020. PubMed ID: 32037395). This variant is present in 0.0080% of alleles in individuals of African descent in gnomAD. Frameshift variants in CDHR1 are an established mechanism of disease. This variant is interpreted as pathogenic.

Labcorp Genetics (formerly Invitae), Labcorp
Classification: Pathogenic. Last evaluated: 2025-04-17. Review status: criteria provided, single submitter. Criteria: Invitae Variant Classification Sherloc (09022015). Collection method: clinical testing. Allele origin: germline.
Comment: This sequence change creates a premature translational stop signal (p.Glu99Argfs*16) in the CDHR1 gene. It is expected to result in an absent or disrupted protein product. Loss-of-function variants in CDHR1 are known to be pathogenic (PMID: 23044944, 23591405, 26103963, 26261414). This variant is present in population databases (no rsID available, gnomAD 0.01%). This variant has not been reported in the literature in individuals affected with CDHR1-related conditions. ClinVar contains an entry for this variant (Variation ID: 955270). For these reasons, this variant has been classified as Pathogenic.

Blueprint Genetics
Classification: Pathogenic for CDHR1-related disorders. Last evaluated: 2021-08-15. Review status: criteria provided, single submitter. Criteria: ACMG Guidelines, 2015. Collection method: clinical testing. Allele origin: germline. Affected: yes. Observed: 2 variant alleles.

Broad Center for Mendelian Genomics, Broad Institute of MIT and Harvard
Classification: Pathogenic for Retinitis pigmentosa. Last evaluated: 2021-04-01. Review status: criteria provided, single submitter. Criteria: ACMG Guidelines, 2015. Collection method: curation. Allele origin: germline. Inheritance: Autosomal recessive inheritance. Affected: yes.
Comment: Through a review of available evidence we were able to apply the following criteria: PVS1, PM2, PP3. Based on this evidence we have classified this variant as Pathogenic. If you have any questions about the classification please reach out to the Pierce Lab.

Literature cited by the submitters: PubMed 23044944 (cited by Labcorp Genetics (formerly Invitae), Labcorp); PubMed 23591405 (cited by Labcorp Genetics (formerly Invitae), Labcorp); PubMed 26103963 (cited by Labcorp Genetics (formerly Invitae), Labcorp); PubMed 26261414 (cited by Labcorp Genetics (formerly Invitae), Labcorp); PubMed 34906470 (cited by Broad Center for Mendelian Genomics, Broad Institute of MIT and Harvard).